The following is an entry in ClinVar:

ClinVar aggregate classification (germline): Uncertain significance (1 of 4 stars; one submission).

Submission:

Labcorp Genetics (formerly Invitae), Labcorp
Classification: Uncertain significance. Last evaluated: 2022-11-28. Review status: criteria provided, single submitter. Criteria: Invitae Variant Classification Sherloc (09022015). Collection method: clinical testing. Allele origin: germline.
Comment: This sequence change replaces leucine, which is neutral and non-polar, with proline, which is neutral and non-polar, at codon 169 of the NR2E3 protein (p.Leu169Pro). This variant is not present in population databases (gnomAD no frequency). This variant has not been reported in the literature in individuals affected with NR2E3-related conditions. Advanced modeling of protein sequence and biophysical properties (such as structural, functional, and spatial information, amino acid conservation, physicochemical variation, residue mobility, and thermodynamic stability) performed at Invitae indicates that this missense variant is not expected to disrupt NR2E3 protein function. In summary, the available evidence is currently insufficient to determine the role of this variant in disease. Therefore, it has been classified as a Variant of Uncertain Significance.

NM_014249.4(NR2E3):c.506T>C (p.Leu169Pro)

Gene: NR2E3 (nuclear receptor subfamily 2 group E member 3; plus strand). Cytogenetic location: 15q23.
Variant type: single nucleotide variant.
Coding change: c.506T>C on transcript NM_014249.4 (MANE Select); coding-DNA position 506, T replaced by C.
Protein change: p.Leu169Pro; replaces leucine 169 with proline.
Molecular consequence: missense variant.
Genome position (GRCh38, 1-based): chr15:71,812,111, T>C. VCF-style: chr15-71812111-T-C. GRCh37 (hg19) VCF-style: chr15-72104451-T-C.
Other names: c.506T>C, p.Leu169Pro (NM_016346.4); short protein forms L169P.
Identifiers: ClinVar variation 2909333 (VCV002909333.3), dbSNP rs2543254445, ClinGen allele CA393034800.
Genomic context (GRCh38, chr15:71,812,111, plus strand): 5'-CCCCGGCCCCGGCAGGGCGCAGCCCACGGGGCCCCACACCCATGTCTGCAGCCAGAGCCC[T>C]GGGCCACCACTTCATGGCCAGCCTTATAACAGCTGAAACCTGTGCTAAGCTGGAGCCAGA-3'
Protein context (NP_055064.1, residues 159-179): GPTPMSAARA[Leu169Pro]GHHFMASLIT